The following is an entry in ClinVar:

ClinVar aggregate classification (germline): Pathogenic (1 of 4 stars; one submission).

Conditions:
Inborn genetic diseases. Identifiers: MedGen C0950123, MeSH D030342.

Submission:

Ambry Genetics
Classification: Pathogenic for Inborn genetic diseases. Last evaluated: 2026-03-06. Review status: criteria provided, single submitter. Criteria: Ambry Variant Classification Scheme 2023. Collection method: clinical testing. Allele origin: germline.
Comment: The c.4372_4373insGCGGGCAGCCG (p.A1458Gfs*40) alteration, located in exon 21 (coding exon 21) of the SHANK3 gene, consists of an insertion of GCGGGCAGCCG at position 4372, causing a translational frameshift with a predicted alternate stop codon after 40 amino acids. This variant is expected to result in loss of function by premature protein truncation or nonsense-mediated mRNA decay. This variant was not reported in population-based cohorts in the Genome Aggregation Database (gnomAD). Based on the available evidence, this alteration is classified as pathogenic.

NM_033517.1:c.4372_4373insGCGGGCAGCCG

Gene: SHANK3 (SH3 and multiple ankyrin repeat domains 3; plus strand).
Variant type: Insertion.
Other names: c.4372_4373insGCGGGCAGCCG (NM_033517.1).
Identifiers: ClinVar variation 4840478 (VCV004840478.1).